The following is an entry in ClinVar:

ClinVar aggregate classification (germline): Conflicting classifications of pathogenicity. Review status: criteria provided, conflicting classifications (1 of 4 stars). 2 submissions from 2 submitters: Uncertain significance (1); Likely benign (1). Last evaluated 2024-07-25.

Conditions:
Cardiovascular phenotype. Identifiers: MedGen CN230736.

Submissions (2):

Ambry Genetics
Classification: Likely benign for Cardiovascular phenotype. Last evaluated: 2024-07-25. Review status: criteria provided, single submitter. Criteria: Ambry Variant Classification Scheme 2023. Collection method: clinical testing. Allele origin: germline.

Labcorp Genetics (formerly Invitae), Labcorp
Classification: Uncertain significance. Last evaluated: 2021-09-24. Review status: criteria provided, single submitter. Criteria: Invitae Variant Classification Sherloc (09022015). Collection method: clinical testing. Allele origin: germline.
Comment: This sequence change replaces glutamine with lysine at codon 3230 of the ZNF469 protein (p.Gln3230Lys). The glutamine residue is moderately conserved and there is a small physicochemical difference between glutamine and lysine. The frequency data for this variant in the population databases is considered unreliable, as metrics indicate insufficient coverage at this position in the ExAC database. This variant has not been reported in the literature in individuals affected with ZNF469-related conditions. Algorithms developed to predict the effect of missense changes on protein structure and function output the following: SIFT: "Tolerated"; PolyPhen-2: "Benign"; Align-GVGD: "Class C0". The lysine amino acid residue is found in multiple mammalian species, which suggests that this missense change does not adversely affect protein function. In summary, the available evidence is currently insufficient to determine the role of this variant in disease. Therefore, it has been classified as a Variant of Uncertain Significance.

NM_001367624.2(ZNF469):c.9772C>A (p.Gln3258Lys)

Gene: ZNF469 (zinc finger protein 469; plus strand). Cytogenetic location: 16q24.2.
Variant type: single nucleotide variant.
Coding change: c.9772C>A on transcript NM_001367624.2 (MANE Select); coding-DNA position 9772, C replaced by A.
Protein change: p.Gln3258Lys; replaces glutamine 3258 with lysine.
Molecular consequence: missense variant.
Genome position (GRCh38, 1-based): chr16:88,437,242, C>A. VCF-style: chr16-88437242-C-A. GRCh37 (hg19) VCF-style: chr16-88503650-C-A.
Other names: NM_001127464.1:c.9688C>A; short protein forms Q3258K.
Identifiers: ClinVar variation 1403112 (VCV001403112.7), dbSNP rs2142314561, ClinGen allele CA397124681.